The following is an entry in ClinVar:

ClinVar aggregate classification (germline): Likely pathogenic (1 of 4 stars; one submission).

Conditions:
Leukocyte adhesion deficiency 1 (LAD1). Also called: LEUKOCYTE ADHESION DEFICIENCY, TYPE I; LAD 1; Lymphocyte function-associated antigen 1 immunodeficiency; LFA 1 immunodeficiency. Identifiers: Orphanet 2968, Orphanet 99842, MedGen C0398738, MONDO:0007293, OMIM 116920.

Submission:

Foundation for Research in Genetics and Endocrinology, FRIGE's Institute of Human Genetics
Classification: Likely pathogenic for Leukocyte adhesion deficiency 1. Last evaluated: 2026-07-01. Review status: criteria provided, single submitter. Criteria: ACMG Guidelines, 2015. Collection method: clinical testing. Allele origin: germline. Inheritance: Autosomal recessive inheritance. Affected: yes. Observed: 1 variant allele, 1 homozygote.
Comment: A homozygous single base pair duplication in exon 10 of the ITGB2 gene (chr21:g.44893466dup) that results in a frameshift and premature truncation of the protein 12 amino acids downstream to codon 388 (p.Asn388LysfsTer12; ENST00000652462.1) was detected. The p.Asn388LysfsTer12 variant has not been reported in the 1000 genomes, gnomAD (v3.1), gnomAD (v2.1), and topmed databases.The reference region is conserved across species.

NM_000211.5(ITGB2):c.1163dup (p.Asn388fs)

Gene: ITGB2 (integrin subunit beta 2; minus strand). Cytogenetic location: 21q22.3.
Variant type: Duplication.
Coding change: c.1163dup on transcript NM_000211.5 (MANE Select); coding-DNA position 1163, one base duplicated (A; older notation c.1163dupA).
Protein change: p.Asn388fs; shifts the reading frame from asparagine 388.
Molecular consequence: frameshift variant.
Genome position (GRCh38, 1-based): chr21:44,893,465, T duplicated on the plus strand (A on the coding strand, the reverse complement: ITGB2 is on the minus strand); the first of 2 consecutive T bases (chr21:44,893,465-44,893,466); duplicating either gives the same sequence. VCF-style (leftmost placement, unchanged base first): chr21-44893464-A-AT. GRCh37 (hg19) VCF-style: chr21-46313379-A-AT.
Other names: p.Asn388LysfsTer12; c.1163dup, p.Asn388fs (NM_001127491.3); c.956dup, p.Asn319fs (NM_001303238.2); short protein forms N319fs, N388fs.
Identifiers: ClinVar variation 4879972 (VCV004879972.1).
Genomic context (GRCh38, chr21:44,893,464, plus strand): 5'-CGGGACATTGATCTGCACGCCATCACAGTCACCTCTGGGCTGGTTCCTGTGCGTCACTCC[A>AT]TTGCTGCAGAAGGAGTCGTAGGTGACTTTCAGGGTGTCGGGGAGGGCGTTGTGATCCAGG-3'